The following is an entry in ClinVar:

ClinVar aggregate classification (germline): Uncertain significance (1 of 4 stars; one submission).

Conditions:
Charcot-Marie-Tooth disease type 4. Also called: Charcot-Marie-Tooth disease, type IV; Charcot-Marie-Tooth, Type 4. Identifiers: Orphanet 64749, MedGen C4082197, MONDO:0018995.

Allele frequency attached by ClinVar (database versions not stated): ExAC 0.00001; gnomAD exomes 0.00002; gnomAD 0.00004 and 0.00005; TOPMed 0.00005; ESP Exome Variant Server 0.00023.
gnomAD v4.1: 34 of 1,614,122 alleles (0.0021%); highest among the groups gnomAD compares: African/African-American, 0.02%; 1 homozygote.

Submission:

Labcorp Genetics (formerly Invitae), Labcorp
Classification: Uncertain significance for Charcot-Marie-Tooth disease type 4. Last evaluated: 2022-01-21. Review status: criteria provided, single submitter. Criteria: Invitae Variant Classification Sherloc (09022015). Collection method: clinical testing. Allele origin: germline.
Comment: This sequence change replaces proline, which is neutral and non-polar, with leucine, which is neutral and non-polar, at codon 748 of the PRX protein (p.Pro748Leu). This variant is present in population databases (rs111252437, gnomAD 0.003%). This missense change has been observed in individual(s) with clinical features of PRX-related conditions (Invitae). ClinVar contains an entry for this variant (Variation ID: 573361). Algorithms developed to predict the effect of missense changes on protein structure and function are either unavailable or do not agree on the potential impact of this missense change (SIFT: "Deleterious"; PolyPhen-2: "Possibly Damaging"; Align-GVGD: "Class C15"). In summary, the available evidence is currently insufficient to determine the role of this variant in disease. Therefore, it has been classified as a Variant of Uncertain Significance.

NM_181882.3(PRX):c.2243C>T (p.Pro748Leu)

Gene: PRX (periaxin; minus strand). Cytogenetic location: 19q13.2.
Variant type: single nucleotide variant.
Coding change: c.2243C>T on transcript NM_181882.3 (MANE Select); coding-DNA position 2243, C replaced by T.
Protein change: p.Pro748Leu; replaces proline 748 with leucine.
Molecular consequence: missense variant. On other transcripts: 3 prime UTR variant (1).
Genome position (GRCh38, 1-based): chr19:40,396,109, G>A on the plus strand (C>T on the coding strand, the complement: PRX is on the minus strand). VCF-style: chr19-40396109-G-A. GRCh37 (hg19) VCF-style: chr19-40902016-G-A.
Other names: c.*2448C>T (NM_020956.2); short protein forms P748L.
Identifiers: ClinVar variation 573361 (VCV000573361.8), dbSNP rs111252437, ClinGen allele CA9444105.